The following is an entry in ClinVar:

NM_032043.3(BRIP1):c.640T>C (p.Cys214Arg)

Gene: BRIP1 (BRCA1 interacting DNA helicase 1; minus strand). Cytogenetic location: 17q23.2.
Variant type: single nucleotide variant.
Coding change: c.640T>C on transcript NM_032043.3 (MANE Select); coding-DNA position 640, T replaced by C.
Protein change: p.Cys214Arg; replaces cysteine 214 with arginine.
Molecular consequence: missense variant.
Genome position (GRCh38, 1-based): chr17:61,808,745, A>G on the plus strand (T>C on the coding strand, the complement: BRIP1 is on the minus strand). VCF-style: chr17-61808745-A-G. GRCh37 (hg19) VCF-style: chr17-59886106-A-G.
Other names: short protein forms C214R.
Identifiers: ClinVar variation 3825704 (VCV003825704.1).

ClinVar aggregate classification (germline): Uncertain significance (1 of 4 stars; one submission).

Conditions:
Hereditary cancer-predisposing syndrome. Also called: Hereditary neoplastic syndrome; Neoplastic Syndromes, Hereditary; Tumor predisposition; Hereditary Cancer Syndrome. Identifiers: Orphanet 140162, MedGen C0027672, MeSH D009386, MONDO:0015356.

Submission:

Ambry Genetics
Classification: Uncertain significance for Hereditary cancer-predisposing syndrome. Last evaluated: 2025-03-02. Review status: criteria provided, single submitter. Criteria: Ambry Variant Classification Scheme 2023. Collection method: clinical testing. Allele origin: germline.
Comment: The p.C214R variant (also known as c.640T>C), located in coding exon 6 of the BRIP1 gene, results from a T to C substitution at nucleotide position 640. The cysteine at codon 214 is replaced by arginine, an amino acid with highly dissimilar properties. This amino acid position is conserved. In addition, this alteration is predicted to be deleterious by in silico analysis. Based on the available evidence, the clinical significance of this variant remains unclear.